The following is an entry in ClinVar:

NM_001177701.3(IFT27):c.114+5G>T

Gene: IFT27 (intraflagellar transport 27; minus strand). Cytogenetic location: 22q12.3.
Variant type: single nucleotide variant.
Coding change: c.114+5G>T on transcript NM_001177701.3 (MANE Select); 5 bases into the intron after coding-DNA position 114, G replaced by T.
Molecular consequence: intron variant.
Genome position (GRCh38, 1-based): chr22:36,767,778, C>A on the plus strand (G>T on the coding strand, the complement: IFT27 is on the minus strand). VCF-style: chr22-36767778-C-A. GRCh37 (hg19) VCF-style: chr22-37163822-C-A.
Other names: c.114+5G>T (NM_001363003.2); c.111+5G>T (NM_006860.5).
Identifiers: ClinVar variation 1493128 (VCV001493128.7), dbSNP rs1375474775, ClinGen allele CA2573158109.

ClinVar aggregate classification (germline): Uncertain significance. Review status: criteria provided, multiple submitters, no conflicts (2 of 4 stars). 2 submissions from 2 submitters: Uncertain significance (2). Last evaluated 2022-02-24.

gnomAD v4.1: 6 of 1,612,716 alleles (0.00037%); highest among the groups gnomAD compares: Non-Finnish European, 0.00051%; no homozygotes.

Submissions (2):

Labcorp Genetics (formerly Invitae), Labcorp
Classification: Uncertain significance. Last evaluated: 2022-02-24. Review status: criteria provided, single submitter. Criteria: Invitae Variant Classification Sherloc (09022015). Collection method: clinical testing. Allele origin: germline.
Comment: Variants that disrupt the consensus splice site are a relatively common cause of aberrant splicing (PMID: 17576681, 9536098). Algorithms developed to predict the effect of sequence changes on RNA splicing suggest that this variant may disrupt the consensus splice site. This variant has not been reported in the literature in individuals affected with IFT27-related conditions. This variant is not present in population databases (gnomAD no frequency). This sequence change falls in intron 2 of the IFT27 gene. It does not directly change the encoded amino acid sequence of the IFT27 protein. It affects a nucleotide within the consensus splice site. In summary, the available evidence is currently insufficient to determine the role of this variant in disease. Therefore, it has been classified as a Variant of Uncertain Significance.

Blueprint Genetics
Classification: Uncertain significance. Last evaluated: 2022-01-18. Review status: criteria provided, single submitter. Criteria: ACMG Guidelines, 2015. Collection method: clinical testing. Allele origin: germline.

Literature cited by the submitters: PubMed 17576681 (cited by Labcorp Genetics (formerly Invitae), Labcorp); PubMed 9536098 (cited by Labcorp Genetics (formerly Invitae), Labcorp).